The following is an entry in ClinVar:

ClinVar aggregate classification (germline): Uncertain significance (1 of 4 stars; one submission).

Allele frequency attached by ClinVar (database versions not stated): gnomAD exomes below 0.00001.
gnomAD v4.1: 1 of 1,614,144 alleles (0.000062%); highest among the groups gnomAD compares: East Asian, 0.0022%; no homozygotes.

Submission:

GeneDx
Classification: Uncertain significance. Last evaluated: 2023-10-05. Review status: criteria provided, single submitter. Criteria: GeneDx Variant Classification Process June 2021. Collection method: clinical testing. Allele origin: germline. Affected: yes.
Comment: Not observed at significant frequency in large population cohorts (gnomAD); In silico analysis supports that this missense variant has a deleterious effect on protein structure/function; Has not been previously published as pathogenic or benign to our knowledge

NM_001220.5(CAMK2B):c.496G>A (p.Gly166Arg)

Gene: CAMK2B (calcium/calmodulin dependent protein kinase II beta; minus strand). Cytogenetic location: 7p13.
Variant type: single nucleotide variant.
Coding change: c.496G>A on transcript NM_001220.5 (MANE Select); coding-DNA position 496, G replaced by A.
Protein change: p.Gly166Arg; replaces glycine 166 with arginine.
Molecular consequence: missense variant.
Genome position (GRCh38, 1-based): chr7:44,243,446, C>T on the plus strand (G>A on the coding strand, the complement: CAMK2B is on the minus strand). VCF-style: chr7-44243446-C-T. GRCh37 (hg19) VCF-style: chr7-44283045-C-T.
Other names: c.496G>A, p.Gly166Arg (NM_001293170.2, NM_172078.3, NM_172079.3 and 5 more transcripts); short protein forms G166R.
Identifiers: ClinVar variation 3252732 (VCV003252732.1), dbSNP rs2486094410.
Genomic context (GRCh38, chr7:44,243,446, plus strand): 5'-GCCAACTGCCAGCCAACACACCCTGCCCCTGGCACTCACCAAACCATGCCTGCTGGTCCC[C>T]CTGCACCTCGATAGCTAGGCCGAAGTCTGCCAGCTTCACTGCAGCCCCTTTGCACTTGCT-3'
Protein context (NP_001211.3, residues 156-176): ADFGLAIEVQ[Gly166Arg]DQQAWFGFAG